The following is an entry in ClinVar:

ClinVar aggregate classification (germline): Uncertain significance (1 of 4 stars; one submission).

Conditions:
Glanzmann thrombasthenia. Also called: BLEEDING DISORDER, PLATELET-TYPE, 2; THROMBASTHENIA OF GLANZMANN AND NAEGELI; PLATELET GLYCOPROTEIN IIb-IIIa DEFICIENCY; Glanzmann's thrombasthenia; Thrombasthenia. Identifiers: Orphanet 849, MedGen C0040015, MONDO:0100326.

gnomAD v4.1: 1 of 1,612,826 alleles (0.000062%); highest among the groups gnomAD compares: East Asian, 0.0022%; no homozygotes.

Submission:

Labcorp Genetics (formerly Invitae), Labcorp
Classification: Uncertain significance for Glanzmann thrombasthenia. Last evaluated: 2025-03-12. Review status: criteria provided, single submitter. Criteria: Invitae Variant Classification Sherloc (09022015). Collection method: clinical testing. Allele origin: germline.
Comment: This sequence change replaces threonine, which is neutral and polar, with serine, which is neutral and polar, at codon 290 of the ITGA2B protein (p.Thr290Ser). This variant is present in population databases (rs751729298, gnomAD 0.006%). This variant has not been reported in the literature in individuals affected with ITGA2B-related conditions. Invitae Evidence Modeling of protein sequence and biophysical properties (such as structural, functional, and spatial information, amino acid conservation, physicochemical variation, residue mobility, and thermodynamic stability) has been performed for this missense variant. However, the output from this modeling did not meet the statistical confidence thresholds required to predict the impact of this variant on ITGA2B protein function. In summary, the available evidence is currently insufficient to determine the role of this variant in disease. Therefore, it has been classified as a Variant of Uncertain Significance.

NM_000419.5(ITGA2B):c.868A>T (p.Thr290Ser)

Gene: ITGA2B (integrin subunit alpha 2b; minus strand). Cytogenetic location: 17q21.31.
Variant type: single nucleotide variant.
Coding change: c.868A>T on transcript NM_000419.5 (MANE Select); coding-DNA position 868, A replaced by T.
Protein change: p.Thr290Ser; replaces threonine 290 with serine.
Molecular consequence: missense variant.
Genome position (GRCh38, 1-based): chr17:44,384,334, T>A on the plus strand (A>T on the coding strand, the complement: ITGA2B is on the minus strand). VCF-style: chr17-44384334-T-A. GRCh37 (hg19) VCF-style: chr17-42461702-T-A.
Other names: short protein forms T290S.
Identifiers: ClinVar variation 4751326 (VCV004751326.1).